The following is an entry in ClinVar:

ClinVar aggregate classification (germline): Likely benign. Review status: criteria provided, multiple submitters, no conflicts (2 of 4 stars). 3 submissions from 3 submitters: Likely benign (3). Last evaluated 2024-09-19.

Conditions:
Hereditary cancer-predisposing syndrome. Also called: Neoplastic Syndromes, Hereditary; Hereditary neoplastic syndrome; Tumor predisposition; Hereditary Cancer Syndrome. Identifiers: Orphanet 140162, MedGen C0027672, MeSH D009386, MONDO:0015356.
Hereditary diffuse gastric adenocarcinoma (HDGC). Also called: DIFFUSE GASTRIC AND LOBULAR BREAST CANCER SYNDROME. Identifiers: Orphanet 26106, MedGen C1708349, MONDO:0007648, OMIM 137215.

Allele frequency attached by ClinVar (database versions not stated): gnomAD 0.00001; TOPMed 0.00001.

Submissions (3):

Myriad Genetics, Inc.
Classification: Likely benign for Hereditary diffuse gastric adenocarcinoma. Last evaluated: 2024-09-19. Review status: criteria provided, single submitter. Criteria: Myriad Autosomal Dominant, Autosomal Recessive and X-Linked Classification Criteria (2023). Collection method: clinical testing. Allele origin: unknown.
Comment: This variant is considered likely benign. This variant is intronic and is not expected to impact mRNA splicing.

Labcorp Genetics (formerly Invitae), Labcorp
Classification: Likely benign for Hereditary diffuse gastric adenocarcinoma. Last evaluated: 2023-10-23. Review status: criteria provided, single submitter. Criteria: Invitae Variant Classification Sherloc (09022015). Collection method: clinical testing. Allele origin: germline.

Color Diagnostics, LLC DBA Color Health
Classification: Likely benign for Hereditary cancer-predisposing syndrome. Last evaluated: 2018-12-05. Review status: criteria provided, single submitter. Criteria: ACMG Guidelines, 2015. Collection method: clinical testing. Allele origin: germline.

NM_004360.5(CDH1):c.1711+7_1711+9dup

Gene: CDH1 (cadherin 1; plus strand). Cytogenetic location: 16q22.1.
Variant type: Duplication.
Coding change: c.1711+7_1711+9dup on transcript NM_004360.5 (MANE Select); bases 7 to 9 of the intron after coding-DNA position 1711, 3 bases duplicated (GGG; older notation c.1711+7_1711+9dupGGG).
Molecular consequence: intron variant.
Genome position (GRCh38, 1-based): chr16:68,819,432-68,819,434, GGG duplicated; duplicating any 3 consecutive bases within chr16:68,819,430-68,819,434 gives the same sequence; the c. name uses the placement nearest the transcript's 3' end. VCF-style (leftmost placement, unchanged base first): chr16-68819429-A-AGGG. GRCh37 (hg19) VCF-style: chr16-68853332-A-AGGG.
Other names: c.1711+7_1711+9dup (LRG_301t1); c.163+7_163+9dup (NM_001317185.2); c.-254-2569_-254-2567dup (NM_001317186.2); c.1528+7_1528+9dup (NM_001317184.2); c.1711+7_1711+9dupGGG (NM_004360.3).
Identifiers: ClinVar variation 532498 (VCV000532498.12), dbSNP rs762825233, ClinGen allele CA8130125.